The following is an entry in ClinVar:

NM_002241.5(KCNJ10):c.427G>A (p.Ala143Thr)

Gene: KCNJ10 (potassium inwardly rectifying channel subfamily J member 10; minus strand). Cytogenetic location: 1q23.2.
Variant type: single nucleotide variant.
Coding change: c.427G>A on transcript NM_002241.5 (MANE Select); coding-DNA position 427, G replaced by A.
Protein change: p.Ala143Thr; replaces alanine 143 with threonine.
Molecular consequence: missense variant.
Genome position (GRCh38, 1-based): chr1:160,042,106, C>T on the plus strand (G>A on the coding strand, the complement: KCNJ10 is on the minus strand). VCF-style: chr1-160042106-C-T. GRCh37 (hg19) VCF-style: chr1-160011896-C-T.
Other names: p.A143T:GCC>ACC; short protein forms A143T.
Identifiers: ClinVar variation 205828 (VCV000205828.4), dbSNP rs796052607, ClinGen allele CA315282.

ClinVar aggregate classification (germline): Uncertain significance. Review status: criteria provided, multiple submitters, no conflicts (2 of 4 stars). 3 submissions from 3 submitters: Uncertain significance (3). Last evaluated 2021-09-24.

Conditions:
EAST syndrome (SESAMES). Also called: SEIZURES, SENSORINEURAL DEAFNESS, ATAXIA, IMPAIRED INTELLECTUAL DEVELOPMENT, AND ELECTROLYTE IMBALANCE. Identifiers: Orphanet 199343, MedGen C2748572, MONDO:0013005, OMIM 612780.
Autosomal recessive nonsyndromic hearing loss 4 (DFNB4). Also called: Deafness, autosomal recessive 4, with enlarged vestibular aqueduct; Enlarged vestibular aqueduct, digenic; FOXI1-Related Pendred Syndrome; KCNJ10-Related Pendred Syndrome; DEAFNESS, AUTOSOMAL RECESSIVE 4, WITH ENLARGED VESTIBULAR AQUEDUCT, DIGENIC; Nonsyndromic enlarged vestibular aqueduct (NSEVA). Identifiers: Orphanet 90636, MedGen C3538946, MONDO:0010933, OMIM 600791.
Pendred syndrome (PDS). Also called: DEAFNESS WITH GOITER; GOITER-DEAFNESS SYNDROME; HYPOTHYROIDISM, CONGENITAL, DUE TO DYSHORMONOGENESIS, 2B; Pendred Syndrome (PDS); THYROID DYSHORMONOGENESIS 2B; THYROID HORMONOGENESIS, GENETIC DEFECT IN, 2B. Identifiers: Orphanet 705, MedGen C0271829, MONDO:0010134, OMIM 274600.

Allele frequency attached by ClinVar (database versions not stated): gnomAD 0.00001; TOPMed 0.00001.
gnomAD v4.1: 13 of 1,556,948 alleles (0.00083%); highest among the groups gnomAD compares: African/African-American, 0.0014%; no homozygotes.

Submissions (3):

Fulgent Genetics
Classification: Uncertain significance for Pendred syndrome; Autosomal recessive nonsyndromic hearing loss 4; EAST syndrome. Last evaluated: 2021-09-24. Review status: criteria provided, single submitter. Criteria: ACMG Guidelines, 2015. Collection method: clinical testing. Allele origin: unknown.

Athena Diagnostics
Classification: Uncertain significance. Last evaluated: 2019-02-04. Review status: criteria provided, single submitter. Criteria: Athena Diagnostics Criteria. Collection method: clinical testing. Allele origin: germline.

GeneDx
Classification: Uncertain significance. Last evaluated: 2014-09-19. Review status: criteria provided, single submitter. Criteria: GeneDx Variant Classification (06012015). Collection method: clinical testing. Allele origin: germline. Affected: yes.
Comment: p.Ala143Thr (GCC>ACC): c.427 G>A in exon 2 of the KCNJ10 gene (NM_002241.4). A variant of unknown significance has been identified in the KCNJ10 gene. The A143T variant has not been published as a mutation, nor has it been reported as a benign polymorphism to our knowledge. It was not observed in approximately 6,500 individuals of European and African American ancestry in the NHLBI Exome Sequencing Project, indicating it is not a common benign variant in these populations. The A143T variant is a non-conservative amino acid substitution, which is likely to impact secondary protein structure as these residues differ in polarity, charge, size and/or other properties and in silico analysis predicts this variant is probably damaging to the protein structure/function. This substitution occurs at a conserved position in the predicted helical transmembrane domain of the KCNJ10 protein, although Threonine is observed at this position in evolution. Based on the currently available information, it is unclear whether this variant is a pathogenic mutation or a rare benign variant. The variant is found in INFANT-EPI panel(s).